The following is an entry in ClinVar:

ClinVar aggregate classification (germline): Uncertain significance (1 of 4 stars; one submission).

Submission:

Labcorp Genetics (formerly Invitae), Labcorp
Classification: Uncertain significance. Last evaluated: 2024-10-04. Review status: criteria provided, single submitter. Criteria: Invitae Variant Classification Sherloc (09022015). Collection method: clinical testing. Allele origin: germline.
Comment: This sequence change replaces leucine, which is neutral and non-polar, with serine, which is neutral and polar, at codon 417 of the FH protein (p.Leu417Ser). This variant is not present in population databases (gnomAD no frequency). This variant has not been reported in the literature in individuals affected with FH-related conditions. Invitae Evidence Modeling of protein sequence and biophysical properties (such as structural, functional, and spatial information, amino acid conservation, physicochemical variation, residue mobility, and thermodynamic stability) indicates that this missense variant is expected to disrupt FH protein function with a positive predictive value of 95%. In summary, the available evidence is currently insufficient to determine the role of this variant in disease. Therefore, it has been classified as a Variant of Uncertain Significance.

NM_000143.4(FH):c.1250T>C (p.Leu417Ser)

Gene: FH (fumarate hydratase; minus strand). Cytogenetic location: 1q43.
Variant type: single nucleotide variant.
Coding change: c.1250T>C on transcript NM_000143.4 (MANE Select); coding-DNA position 1250, T replaced by C.
Protein change: p.Leu417Ser; replaces leucine 417 with serine.
Molecular consequence: missense variant.
Genome position (GRCh38, 1-based): chr1:241,500,577, A>G on the plus strand (T>C on the coding strand, the complement: FH is on the minus strand). VCF-style: chr1-241500577-A-G. GRCh37 (hg19) VCF-style: chr1-241663877-A-G.
Other names: short protein forms L417S.
Identifiers: ClinVar variation 3652598 (VCV003652598.2).
Genomic context (GRCh38, chr1:241,500,577, plus strand): 5'-CCCACCACGCAGTTTTCTGTAAAGGAAACTGAAGCATCCCCCAGCAGCCTGGCTGAGTGT[A>G]ACACATTTTTAATCTTTGAGTGAGTGAGAGAGAGAGAGAGAGAGAGAGAGAGAGAGAGAG-3'
Protein context (NP_000134.2, residues 407-427): VFKPMMIKNV[Leu417Ser]HSARLLGDAS